The following is an entry in ClinVar:

NM_001148.6(ANK2):c.11628A>G (p.Glu3876=)

Gene: ANK2 (ankyrin 2; plus strand). Cytogenetic location: 4q26.
Variant type: single nucleotide variant.
Coding change: c.11628A>G on transcript NM_001148.6 (MANE Select); coding-DNA position 11628, A replaced by G.
Protein change: p.Glu3876=; no amino-acid change (glutamic acid 3876 retained).
Molecular consequence: synonymous variant. On other transcripts: intron variant (1).
Genome position (GRCh38, 1-based): chr4:113,373,107, A>G. VCF-style: chr4-113373107-A-G. GRCh37 (hg19) VCF-style: chr4-114294263-A-G.
Other names: c.5346A>G, p.Glu1782= (NM_001127493.3); c.5385A>G, p.Glu1795= (NM_001354225.2); c.5367A>G, p.Glu1789= (NM_001354228.2); c.5352A>G, p.Glu1784= (NM_001354230.2); c.5508A>G, p.Glu1836= (NM_001354231.2); c.5502A>G, p.Glu1834= (NM_001354232.2); c.5463A>G, p.Glu1821= (NM_001354235.2); c.5271A>G, p.Glu1757= (NM_001354236.2); and 44 more.
Identifiers: ClinVar variation 377481 (VCV000377481.14), dbSNP rs376376716, ClinGen allele CA3052336.

ClinVar aggregate classification (germline): Benign/Likely benign. Review status: criteria provided, multiple submitters, no conflicts (2 of 4 stars). 5 submissions from 5 submitters: Benign (3); Likely benign (2). Last evaluated 2026-04-24.

Conditions:
Long QT syndrome (LQTS). Identifiers: MedGen C0023976, MeSH D008133, MONDO:0002442. Disease mechanism: loss of function. Inheritance: Various modes of inheritance.
Cardiovascular phenotype. Identifiers: MedGen CN230736.
Cardiac arrhythmia, ankyrin-B-related. Also called: ANKYRIN-B SYNDROME. Identifiers: Orphanet 101016, Orphanet 768, MedGen C1970119, MONDO:0010958, OMIM 600919.

Allele frequency attached by ClinVar (database versions not stated): gnomAD exomes 0.00003 and 0.00013; gnomAD 0.00005 and 0.00006; ExAC 0.00007; ESP Exome Variant Server 0.00008; TOPMed 0.00008.
gnomAD v4.1: 59 of 1,614,028 alleles (0.0037%); highest among the groups gnomAD compares: Admixed American, 0.075%; no homozygotes.

Submissions (5):

Women's Health and Genetics/Laboratory Corporation of America, LabCorp
Classification: Benign. Last evaluated: 2026-04-24. Review status: criteria provided, single submitter. Criteria: LabCorp Variant Classification Summary - May 2015. Collection method: clinical testing. Allele origin: germline.

Labcorp Genetics (formerly Invitae), Labcorp
Classification: Likely benign for Long QT syndrome. Last evaluated: 2025-10-22. Review status: criteria provided, single submitter. Criteria: Invitae Variant Classification Sherloc (09022015). Collection method: clinical testing. Allele origin: germline.

Genome-Nilou Lab
Classification: Benign for Cardiac arrhythmia, ankyrin-B-related. Last evaluated: 2021-12-05. Review status: criteria provided, single submitter. Criteria: ACMG Guidelines, 2015. Collection method: clinical testing. Allele origin: germline. Affected: no.

Ambry Genetics
Classification: Likely benign for Cardiovascular phenotype. Last evaluated: 2019-02-17. Review status: criteria provided, single submitter. Criteria: Ambry Variant Classification Scheme 2023. Collection method: clinical testing. Allele origin: germline.

GeneDx
Classification: Benign. Last evaluated: 2015-05-11. Review status: criteria provided, single submitter. Criteria: GeneDx Variant Classification (06012015). Collection method: clinical testing. Allele origin: germline. Affected: yes.
Comment: This variant is considered likely benign or benign based on one or more of the following criteria: it is a conservative change, it occurs at a poorly conserved position in the protein, it is predicted to be benign by multiple in silico algorithms, and/or has population frequency not consistent with disease.